The following is an entry in ClinVar:

ClinVar aggregate classification (germline): Likely pathogenic. Review status: reviewed by expert panel (3 of 4 stars). 2 submissions from 2 submitters: Likely pathogenic (1). 1 of the submissions does not count toward it. Last evaluated 2023-05-23.

Conditions:
Mitochondrial disease. Also called: Mitochondrial disorder; Mitochondrial disorders. Identifiers: Orphanet 68380, MedGen C0751651, MeSH D028361, MONDO:0044970.
MELAS syndrome (MELAS). Also called: Juvenile myopathy, encephalopathy, lactic acidosis, stroke. Identifiers: Orphanet 550, MedGen C0162671, MONDO:0010789, OMIM 540000.

Submissions (2):

ClinGen Mitochondrial Disease Nuclear and Mitochondrial  Variant Curation Expert Panel, ClinGen
Classification: Likely pathogenic for Mitochondrial disease. Last evaluated: 2023-05-23. Review status: reviewed by expert panel. Criteria: McCormick et al. (Hum Mutat. 2020). Collection method: curation. Allele origin: germline. Inheritance: Mitochondrial inheritance.
Comment: The m.5537insT variant in MT-TW has been reported in seven affected individuals from two families (PS4_supporting; PMIDs: 9266739, 12776230). Ages of onset included infancy, childhood, adolescence, and adulthood. Features in affected individuals included Leigh syndrome spectrum disorder, optic atrophy, migraine, gastrointestinal dysmotility, and mood disorders. Muscle biopsies showed ragged red fibers, subsarcolemmal accumulation of mitochondria, COX-negative fibers, and complex IV deficiency (and to a lesser extent, complex I deficiency). Heteroplasmy levels were >95% in the two individuals with Leigh syndrome, and were variable in the other affected family members. The variant segregated with clinical manifestations in both reported families (PP1_moderate; PMIDs: 9266739, 12776230). Furthermore, the variant was present at a lower heteroplasmy level in the healthy mother of the second case (PMID: 12776230). This variant is absent in the GenBank dataset, Helix dataset, and gnomAD v3.1.2 (PM2_supporting). While there are no in silico predictors for this variant type, an insertion at this location in the tRNA is highly likely to disrupt its structure, and other variants at this position are predicted to be deleterious (PP3). Single fiber testing showed higher levels of the variant in abnormally appearing muscle fibers (such as ragged red fibers, 97% +/- 2%) than in normal appearing fibers (90% +/- 6%), p<0.0005 (PS3_supporting; PMID: 9266739). In summary, this variant meets criteria to be classified as likely pathogenic for primary mitochondrial disease inherited in a mitochondrial manner. This classification was approved by the NICHD/NINDS U24 ClinGen Mitochondrial Disease Variant Curation Expert Panel on May 23, 2023. Mitochondrial DNA-specific ACMG/AMP criteria applied (PMID: 32906214): PS4_supporting, PP1_moderate, PM2_supporting, PP3, PS3_supporting.

Wong Mito Lab, Molecular and Human Genetics, Baylor College of Medicine
Classification: Pathogenic for MELAS syndrome. Last evaluated: 2019-07-12. Review status: criteria provided, single submitter. Criteria: Modified ACMG Guidelines (Unpublished). Collection method: clinical testing. Allele origin: germline. Not counted in ClinVar's aggregate classification.
Comment: The NC_012920.1:m.5536_5537insT variant in MT-TW gene is interpreted to be a Pathogenic variant based on the modified ACMG guidelines (unpublished). This variant meets the following evidence codes reported in the guidelines: PS3, PM9, PM10, PP4, PP6

Literature cited by the submitters: PubMed 31965079 (cited by Wong Mito Lab, Molecular and Human Genetics, Baylor College of Medicine); PubMed 9266739 (cited by Wong Mito Lab, Molecular and Human Genetics, Baylor College of Medicine).

NC_012920.1(MT-TW):m.5536_5537insT

Gene: MT-TW (mitochondrially encoded tRNA tryptophan; plus strand).
Variant type: Insertion.
Genome position: chrM-5536-A-AT.
Identifiers: ClinVar variation 689929 (VCV000689929.2), dbSNP rs1603220010, ClinGen allele CA915952206.
Genomic context (GRCh38, chrMT:5,536, plus strand): 5'-TCCTACCTATCTCCCCTTTTATACTAATAATCTTATAGAAATTTAGGTTAAATACAGACC[A>AT]AGAGCCTTCAAAGCCCTCAGTAAGTTGCAATACTTAATTTCTGTAACAGCTAAGGACTGC-3'